The following is an entry in ClinVar:

NM_001282116.2(RFX3):c.1250C>G (p.Thr417Ser)

Gene: RFX3 (regulatory factor X3; minus strand). Cytogenetic location: 9p24.2.
Variant type: single nucleotide variant.
Coding change: c.1250C>G on transcript NM_001282116.2 (MANE Select); coding-DNA position 1250, C replaced by G.
Protein change: p.Thr417Ser; replaces threonine 417 with serine.
Molecular consequence: missense variant.
Genome position (GRCh38, 1-based): chr9:3,270,478, G>C on the plus strand (C>G on the coding strand, the complement: RFX3 is on the minus strand). VCF-style: chr9-3270478-G-C. GRCh37 (hg19) VCF-style: chr9-3270478-G-C.
Other names: c.1250C>G, p.Thr417Ser (NM_001377999.1, NM_002919.4, NM_134428.3); short protein forms T417S.
Identifiers: ClinVar variation 5017072 (VCV005017072.1).

ClinVar aggregate classification (germline): Uncertain significance (1 of 4 stars; one submission).

Submission:

GeneDx
Classification: Uncertain significance. Last evaluated: 2026-03-25. Review status: criteria provided, single submitter. Criteria: GeneDx Variant Classification Process June 2021. Collection method: clinical testing. Allele origin: germline.
Comment: Not observed at significant frequency in large population cohorts (gnomAD); In silico analysis suggests that this missense variant does not alter protein structure/function; Has not been previously published as pathogenic or benign to our knowledge